The following is an entry in ClinVar:

NM_002788.4(PSMA3):c.338C>T (p.Ala113Val)

Gene: PSMA3 (proteasome 20S subunit alpha 3; plus strand). Cytogenetic location: 14q23.1.
Variant type: single nucleotide variant.
Coding change: c.338C>T on transcript NM_002788.4 (MANE Select); coding-DNA position 338, C replaced by T.
Protein change: p.Ala113Val; replaces alanine 113 with valine.
Molecular consequence: missense variant. On other transcripts: non-coding transcript variant (1).
Genome position (GRCh38, 1-based): chr14:58,257,932, C>T. VCF-style: chr14-58257932-C-T. GRCh37 (hg19) VCF-style: chr14-58724650-C-T.
Other names: c.338C>T, p.Ala113Val (NM_152132.3); short protein forms A113V.
Identifiers: ClinVar variation 1993089 (VCV001993089.4), dbSNP rs2140087107, ClinGen allele CA389848558.
Genomic context (GRCh38, chr14:58,257,932, plus strand): 5'-CTTTTGGACAGTAATAGAAGTTTATTAATAAGCTCTTCTGCTTCCCTCCATAGCATCTTG[C>T]AGACAGAGTGGCCATGTATGTGCATGCATATACACTCTACAGTGCTGTTAGACCTTTTGG-3'
Protein context (NP_002779.1, residues 103-123): FGYNIPLKHL[Ala113Val]DRVAMYVHAY

ClinVar aggregate classification (germline): Uncertain significance (1 of 4 stars; one submission).

Allele frequency attached by ClinVar (database versions not stated): gnomAD exomes below 0.00001.
gnomAD v4.1: 1 of 1,613,738 alleles (0.000062%); highest among the groups gnomAD compares: East Asian, 0.0022%; no homozygotes.

Submission:

Labcorp Genetics (formerly Invitae), Labcorp
Classification: Uncertain significance. Last evaluated: 2022-05-11. Review status: criteria provided, single submitter. Criteria: Invitae Variant Classification Sherloc (09022015). Collection method: clinical testing. Allele origin: germline.
Comment: In summary, the available evidence is currently insufficient to determine the role of this variant in disease. Therefore, it has been classified as a Variant of Uncertain Significance. Algorithms developed to predict the effect of missense changes on protein structure and function are either unavailable or do not agree on the potential impact of this missense change (SIFT: "Deleterious"; PolyPhen-2: "Benign"; Align-GVGD: "Class C0"). This variant has not been reported in the literature in individuals affected with PSMA3-related conditions. This variant is not present in population databases (gnomAD no frequency). This sequence change replaces alanine, which is neutral and non-polar, with valine, which is neutral and non-polar, at codon 113 of the PSMA3 protein (p.Ala113Val).